The following is an entry in ClinVar:

NM_001658.4(ARF1):c.337G>A (p.Glu113Lys)

Genes: ARF1 (ARF GTPase 1; plus strand), LOC126806039 (CDK7 strongly-dependent group 2 enhancer GRCh37_chr1:228284937-228286136; plus strand). Cytogenetic location: 1q42.13.
Variant type: single nucleotide variant.
Coding change: c.337G>A on transcript NM_001658.4 (MANE Select); coding-DNA position 337, G replaced by A.
Protein change: p.Glu113Lys; replaces glutamic acid 113 with lysine.
Molecular consequence: missense variant.
Genome position (GRCh38, 1-based): chr1:228,097,668, G>A. VCF-style: chr1-228097668-G-A. GRCh37 (hg19) VCF-style: chr1-228285369-G-A.
Other names: c.337G>A, p.Glu113Lys (NM_001024226.2, NM_001024227.1, NM_001024228.2); short protein forms E113K.
Identifiers: ClinVar variation 5037064 (VCV005037064.1).

ClinVar aggregate classification (germline): Uncertain significance (1 of 4 stars; one submission).

Submission:

GeneDx
Classification: Uncertain significance. Last evaluated: 2026-04-14. Review status: criteria provided, single submitter. Criteria: GeneDx Variant Classification Process June 2021. Collection method: clinical testing. Allele origin: germline.
Comment: Not observed at significant frequency in large population cohorts (gnomAD); In silico analysis supports that this missense variant has a deleterious effect on protein structure/function; Has not been previously published as pathogenic or benign to our knowledge